The following is an entry in ClinVar:

NM_018904.3(PCDHA13):c.1636G>A (p.Gly546Ser)

Genes: PCDHA1 (protocadherin alpha 1; plus strand), PCDHA10 (protocadherin alpha 10; plus strand), PCDHA11 (protocadherin alpha 11; plus strand), PCDHA12 (protocadherin alpha 12; plus strand), PCDHA13 (protocadherin alpha 13; plus strand) and 9 more. Cytogenetic location: 5q31.3.
Variant type: single nucleotide variant.
Coding change: c.1636G>A on transcript NM_018904.3 (MANE Select); coding-DNA position 1636, G replaced by A.
Protein change: p.Gly546Ser; replaces glycine 546 with serine.
Molecular consequence: missense variant. On other transcripts: intron variant (15).
Genome position (GRCh38, 1-based): chr5:140,883,904, G>A. VCF-style: chr5-140883904-G-A. GRCh37 (hg19) VCF-style: chr5-140263489-G-A.
Other names: c.1636G>A, p.Gly546Ser (NM_031865.2); c.2395-95045G>A (NM_018900.4); c.1603-95045G>A (NM_031411.3); c.2388+86552G>A (NM_018905.3); c.2394+80313G>A (NM_018906.3); c.2385+74332G>A (NM_018907.4); c.2352+59777G>A (NM_018908.3); c.2394+53419G>A (NM_018909.4); and 8 more; short protein forms G546S.
Identifiers: ClinVar variation 2655798 (VCV002655798.24), dbSNP rs146827381, ClinGen allele CA3453305.

ClinVar aggregate classification (germline): Likely benign (1 of 4 stars; one submission).

Allele frequency attached by ClinVar (database versions not stated): 1000 Genomes Project 0.00140; 1000 Genomes Project 30x 0.00141; TOPMed 0.00320; ExAC 0.00346; ESP Exome Variant Server 0.00361; gnomAD 0.00365.
gnomAD v4.1: 7,677 of 1,613,344 alleles (0.48%); highest among the groups gnomAD compares: Non-Finnish European, 0.58%; 19 homozygotes.

Submission:

CeGaT Center for Human Genetics Tuebingen
Classification: Likely benign. Last evaluated: 2026-08-01. Review status: criteria provided, single submitter. Criteria: CeGaT Center For Human Genetics Tuebingen Variant Classification Criteria Version 2. Collection method: clinical testing. Allele origin: germline. Affected: yes. Observed: 11 variant alleles.
Comment: PCDHA13: BP4, BS2